The following is an entry in ClinVar:

NM_001080421.3(UNC13A):c.4197+7C>T

Gene: UNC13A (unc-13 homolog A; minus strand). Cytogenetic location: 19p13.11.
Variant type: single nucleotide variant.
Coding change: c.4197+7C>T on transcript NM_001080421.3 (MANE Select); 7 bases into the intron after coding-DNA position 4197, C replaced by T.
Molecular consequence: intron variant.
Genome position (GRCh38, 1-based): chr19:17,624,822, G>A on the plus strand (C>T on the coding strand, the complement: UNC13A is on the minus strand). VCF-style: chr19-17624822-G-A. GRCh37 (hg19) VCF-style: chr19-17735631-G-A.
Other names: p.?; c.4188+7C>T (NM_001387022.1); c.4191+7C>T (NM_001387023.1, NM_001387021.1).
Identifiers: ClinVar variation 981032 (VCV000981032.7), dbSNP rs148883310, ClinGen allele CA9297815.

ClinVar aggregate classification (germline): Conflicting classifications of pathogenicity. Review status: criteria provided, conflicting classifications (1 of 4 stars). 4 submissions from 4 submitters: Uncertain significance (2); Benign (1). 1 of the submissions does not count toward it. Last evaluated 2023-03-27.

Conditions:
Amyotrophic lateral sclerosis (ALS). Also called: Charcot disease; Lou Gehrig disease. Identifiers: Orphanet 803, MedGen C0002736, MONDO:0004976, HP:0007354.
UNC13A-related disorder. Also called: UNC13A-related condition.

Allele frequency attached by ClinVar (database versions not stated): 1000 Genomes Project 30x 0.00921; 1000 Genomes Project 0.00938; gnomAD 0.01721 and 0.01751; TOPMed 0.01757; ESP Exome Variant Server 0.01978.
gnomAD v4.1: 36,859 of 1,611,948 alleles (2.3%); highest among the groups gnomAD compares: Middle Eastern, 2.9%; 494 homozygotes.

Submissions (4):

Mayo Clinic Laboratories, Mayo Clinic
Classification: Benign. Last evaluated: 2023-03-27. Review status: criteria provided, single submitter. Criteria: ACMG Guidelines, 2015. Collection method: clinical testing. Allele origin: germline. Observed: 32 variant alleles.
Comment: BS1, BS2, BP4, BP7

UM ALS/MND Lab, University Of Malta
Classification: Uncertain significance for Amyotrophic lateral sclerosis. Last evaluated: 2020-09-09. Review status: criteria provided, single submitter. Criteria: ACMG Guidelines, 2015. Collection method: case-control. Allele origin: unknown. Affected: yes. Observed: 2 variant alleles.
Comment: Single heterozygote

Breakthrough Genomics
Classification: Uncertain significance. Review status: criteria provided, single submitter. Criteria: ACMG Guidelines, 2015. Collection method: not provided. Allele origin: germline. Inheritance: Autosomal dominant inheritance. Affected: yes.

PreventionGenetics, part of Exact Sciences
Classification: Benign for UNC13A-related condition. Last evaluated: 2019-05-15. Review status: no assertion criteria provided. Collection method: clinical testing. Allele origin: germline. Not counted in ClinVar's aggregate classification.
Comment: This variant is classified as benign based on ACMG/AMP sequence variant interpretation guidelines (Richards et al. 2015 PMID: 25741868, with internal and published modifications).